The following is an entry in ClinVar:

NM_001035.3(RYR2):c.11106G>T (p.Glu3702Asp)

Gene: RYR2 (ryanodine receptor 2; plus strand). Cytogenetic location: 1q43.
Variant type: single nucleotide variant.
Coding change: c.11106G>T on transcript NM_001035.3 (MANE Select); coding-DNA position 11106, G replaced by T.
Protein change: p.Glu3702Asp; replaces glutamic acid 3702 with aspartic acid.
Molecular consequence: missense variant.
Genome position (GRCh38, 1-based): chr1:237,742,310, G>T. VCF-style: chr1-237742310-G-T. GRCh37 (hg19) VCF-style: chr1-237905610-G-T.
Other names: short protein forms E3702D.
Identifiers: ClinVar variation 1331856 (VCV001331856.3), dbSNP rs2149211394, ClinGen allele CA345422012.

ClinVar aggregate classification (germline): Uncertain significance (1 of 4 stars; one submission).

Conditions:
Cardiomyopathy (CMYO). Also called: Cardiomyopathies. Identifiers: Orphanet 167848, MedGen C0878544, MONDO:0004994, HP:0001638. Inheritance: Various modes of inheritance.

Submission:

Color Diagnostics, LLC DBA Color Health
Classification: Uncertain significance for Cardiomyopathy. Last evaluated: 2024-03-07. Review status: criteria provided, single submitter. Criteria: ACMG Guidelines, 2015. Collection method: clinical testing. Allele origin: germline.
Comment: This missense variant replaces glutamic acid with aspartic acid at codon 3702 of the RYR2 protein. Computational prediction is inconclusive regarding the impact of this variant on protein structure and function (internally defined REVEL score threshold 0.5 < inconclusive < 0.7, PMID: 27666373). To our knowledge, functional studies have not been reported for this variant. This variant has not been reported in individuals affected with cardiovascular disorders in the literature. This variant has not been identified in the general population by the Genome Aggregation Database (gnomAD). The available evidence is insufficient to determine the role of this variant in disease conclusively. Therefore, this variant is classified as a Variant of Uncertain Significance.